The following is an entry in ClinVar:

ClinVar aggregate classification (germline): Uncertain significance (1 of 4 stars; one submission).

Submission:

Women's Health and Genetics/Laboratory Corporation of America, LabCorp
Classification: Uncertain significance. Last evaluated: 2025-06-10. Review status: criteria provided, single submitter. Criteria: LabCorp Variant Classification Summary - May 2015. Collection method: clinical testing. Allele origin: germline.
Comment: Variant summary: NBEA c.1561A>T (p.Thr521Ser) results in a conservative amino acid change in the encoded protein sequence. Algorithms developed to predict the effect of missense changes on protein structure and function are either unavailable or do not agree on the potential impact of this missense change. The variant was absent in 250744 control chromosomes. The available data on variant occurrences in the general population are insufficient to allow any conclusion about variant significance. To our knowledge, no occurrence of c.1561A>T in individuals affected with Neurodevelopmental Disorder With Or Without Early-Onset Generalized Epilepsy and no experimental evidence demonstrating its impact on protein function have been reported. No submitters have cited clinical-significance assessments for this variant to ClinVar. Based on the evidence outlined above, the variant was classified as uncertain significance.

NM_001385012.1(NBEA):c.1561A>T (p.Thr521Ser)

Gene: NBEA (neurobeachin; plus strand). Cytogenetic location: 13q13.3.
Variant type: single nucleotide variant.
Coding change: c.1561A>T on transcript NM_001385012.1 (MANE Select); coding-DNA position 1561, A replaced by T.
Protein change: p.Thr521Ser; replaces threonine 521 with serine.
Molecular consequence: missense variant.
Genome position (GRCh38, 1-based): chr13:35,070,842, A>T. VCF-style: chr13-35070842-A-T. GRCh37 (hg19) VCF-style: chr13-35644979-A-T.
Other names: c.1561A>T, p.Thr521Ser (NM_001379245.1, NM_015678.5); short protein forms T521S.
Identifiers: ClinVar variation 3907251 (VCV003907251.1).
Genomic context (GRCh38, chr13:35,070,842, plus strand): 5'-GTGCTTTTTCCACTTTTTGCCCAATTGGATAATAGGCAGCTCAATGACAGTCAAGTGGAA[A>T]CAACTGTCTGGTAAGTTTTCTTTGCATGTACAATTGCTGGTATTTTATACACACTTAAGA-3'
Protein context (NP_001371941.1, residues 511-531): NRQLNDSQVE[Thr521Ser]TVCATLLAFL